The following is an entry in ClinVar:

NM_000059.4(BRCA2):c.2798del (p.Thr933fs)

Gene: BRCA2 (BRCA2 DNA repair associated; plus strand). Cytogenetic location: 13q13.1.
Variant type: Deletion.
Coding change: c.2798del on transcript NM_000059.4 (MANE Select); coding-DNA position 2798, one base deleted (C; older notation c.2798delC).
Protein change: p.Thr933fs; shifts the reading frame from threonine 933.
Molecular consequence: frameshift variant.
Genome position (GRCh38, 1-based): chr13:32,337,153, C deleted. VCF-style (leftmost placement, unchanged base first): chr13-32337152-AC-A. GRCh37 (hg19) VCF-style: chr13-32911289-AC-A.
Other names: 3026delC; c.2798delC (NM_000059.3); short protein forms T933fs.
Identifiers: ClinVar variation 51348 (VCV000051348.2), dbSNP rs80359349, ClinGen allele CA016395.

ClinVar aggregate classification (germline): Pathogenic. Review status: reviewed by expert panel (3 of 4 stars). 2 submissions from 2 submitters: Pathogenic (1). 1 of the submissions does not count toward it. Last evaluated 2016-09-08.

Conditions:
Breast-ovarian cancer, familial, susceptibility to, 2 (BROVCA2). Also called: BRCA2 Hereditary Breast and Ovarian Cancer. Identifiers: Orphanet 145, MedGen C2675520, MONDO:0012933, OMIM 612555. Disease mechanism: loss of function.

Submissions (2):

Evidence-based Network for the Interpretation of Germline Mutant Alleles (ENIGMA)
Classification: Pathogenic for Breast-ovarian cancer, familial, susceptibility to, 2. Last evaluated: 2016-09-08. Review status: reviewed by expert panel. Criteria: ENIGMA BRCA1/2 Classification Criteria (2015). Collection method: curation. Allele origin: germline.
Comment: Variant allele predicted to encode a truncated non-functional protein.

Breast Cancer Information Core (BIC) (BRCA2)
Classification: Pathogenic for Breast-ovarian cancer, familial 2. Last evaluated: 2000-07-07. Review status: no assertion criteria provided. Collection method: clinical testing. Allele origin: germline. Affected: yes. Observed: 1 variant allele. Not counted in ClinVar's aggregate classification.